The following is an entry in ClinVar:

NM_004370.6(COL12A1):c.1322T>C (p.Ile441Thr)

Gene: COL12A1 (collagen type XII alpha 1 chain; minus strand). Cytogenetic location: 6q13.
Variant type: single nucleotide variant.
Coding change: c.1322T>C on transcript NM_004370.6 (MANE Select); coding-DNA position 1322, T replaced by C.
Protein change: p.Ile441Thr; replaces isoleucine 441 with threonine.
Molecular consequence: missense variant. On other transcripts: intron variant (1).
Genome position (GRCh38, 1-based): chr6:75,183,619, A>G on the plus strand (T>C on the coding strand, the complement: COL12A1 is on the minus strand). VCF-style: chr6-75183619-A-G. GRCh37 (hg19) VCF-style: chr6-75893335-A-G.
Other names: c.73+19101T>C (NM_080645.3); short protein forms I441T.
Identifiers: ClinVar variation 1008544 (VCV001008544.9), dbSNP rs1223531902, ClinGen allele CA364771657.

ClinVar aggregate classification (germline): Uncertain significance (1 of 4 stars; one submission).

Conditions:
Ullrich congenital muscular dystrophy 2 (UCMD2). Identifiers: Orphanet 75840, MedGen C4225314, MONDO:0014654, OMIM 616470.
Bethlem myopathy 2 (BTHLM2). Identifiers: Orphanet 536516, Orphanet 610, MedGen C4225313, MONDO:0034022, OMIM 616471.

Allele frequency attached by ClinVar (database versions not stated): gnomAD exomes below 0.00001 and 0.00001; gnomAD 0.00001 and 0.00002; TOPMed 0.00001.
gnomAD v4.1: 23 of 1,612,314 alleles (0.0014%); highest among the groups gnomAD compares: Non-Finnish European, 0.0018%; no homozygotes.

Submission:

Labcorp Genetics (formerly Invitae), Labcorp
Classification: Uncertain significance for Bethlem myopathy 2; Ullrich congenital muscular dystrophy 2. Last evaluated: 2025-01-13. Review status: criteria provided, single submitter. Criteria: Invitae Variant Classification Sherloc (09022015). Collection method: clinical testing. Allele origin: germline.
Comment: This sequence change replaces isoleucine, which is neutral and non-polar, with threonine, which is neutral and polar, at codon 441 of the COL12A1 protein (p.Ile441Thr). This variant is present in population databases (no rsID available, gnomAD 0.0009%). This variant has not been reported in the literature in individuals affected with COL12A1-related conditions. ClinVar contains an entry for this variant (Variation ID: 1008544). Invitae Evidence Modeling of protein sequence and biophysical properties (such as structural, functional, and spatial information, amino acid conservation, physicochemical variation, residue mobility, and thermodynamic stability) indicates that this missense variant is not expected to disrupt COL12A1 protein function with a negative predictive value of 80%. In summary, the available evidence is currently insufficient to determine the role of this variant in disease. Therefore, it has been classified as a Variant of Uncertain Significance.